The following is an entry in ClinVar:

ClinVar aggregate classification (germline): Pathogenic/Likely pathogenic. Review status: criteria provided, multiple submitters, no conflicts (2 of 4 stars). 3 submissions from 3 submitters: Pathogenic (1); Likely pathogenic (1). 1 of the submissions does not count toward it. Last evaluated 2026-09-30.

Conditions:
Complex neurodevelopmental disorder. Identifiers: Orphanet 528084, MedGen C5568766, MONDO:0100038.
Intellectual developmental disorder, autosomal dominant 6, with or without seizures. Also called: GRIN2B-related developmental delay, intellectual disability and autism spectrum disorder; Intellectual disability, autosomal dominant 6. Identifiers: Orphanet 589547, MedGen C3151411, MONDO:0013509, OMIM 613970.

Submissions (3):

GeneDx
Classification: Pathogenic. Last evaluated: 2026-09-30. Review status: criteria provided, single submitter. Criteria: GeneDx Variant Classification Process June 2021. Collection method: clinical testing. Allele origin: germline.
Comment: Not observed at significant frequency in large population cohorts (gnomAD); In silico analysis suggests that this missense variant does not alter protein structure/function; This variant is associated with the following publications: (PMID: 28377535, 33057194, 35240744, 27839871, 35982159, 33823469, 30217972, 35893069, 37369021)

Institute of Human Genetics, University of Leipzig Medical Center
Classification: Likely pathogenic for Intellectual developmental disorder, autosomal dominant 6, with or without seizures. Last evaluated: 2017-04-04. Review status: criteria provided, single submitter. Criteria: ACMG Guidelines, 2015. Collection method: clinical testing. Allele origin: de novo. Affected: yes.
Comment: This variant was identified as de novo (maternity and paternity confirmed).

Clinical Genomics Laboratory, Stanford Medicine
Classification: Pathogenic for Intellectual developmental disorder, autosomal dominant 6, with or without seizures. Last evaluated: 2020-12-30. Review status: no assertion criteria provided. Collection method: clinical testing. Allele origin: germline. Inheritance: Autosomal dominant inheritance. Affected: yes. Observed: 1 heterozygote. Not counted in ClinVar's aggregate classification.
Comment: The p.Gly826Glu variant in theGRIN2B gene has been previously reported de novo in 1 individual with GRIN2B-related neurodevelopmental disorder (Platzeret al., 2017), as well as identified de novo in 2 individuals with global developmental delay (GeneDx pers. comm., Dec 28, 2020). This variant was absent from large population databases, including the Genome Aggregation Database.The p.Gly826Glu variant is located in the transmembrane domain M4 of GRIN2B, a highly conserved region involved in ion channel gating (Amin et al., 2018), and several other pathogenic and likely pathogenic variants have been described in this domain (p.Met818Leu, p.Met818Thr, p.Ala819Thr, p.Gly820Arg, p.Gly820Ala, p.Gly820Val). The GRIN2Bgene has fewer missense variants in the general population than expected. A low rate of missense variation may suggest that this gene is intolerant to missense variation. Computational tools predict that the p.Gly826Glu variant does not impact protein function; however, the accuracy of in silico algorithms is limited.These data were assessed using the ACMG/AMP variant interpretation guidelines. In summary, there is sufficient evidence to classify the p.Gly826Glu variant as pathogenic for autosomal dominant GRIN2B-related neurodevelopmental disorder based on the information above. [ACMG evidence codes used: PS2_ Very Strong; PM1; PM2]

Literature cited by the submitters: PubMed 28377535 (cited by Institute of Human Genetics, University of Leipzig Medical Center).

NM_000834.5(GRIN2B):c.2477G>A (p.Gly826Glu)

Gene: GRIN2B (glutamate ionotropic receptor NMDA type subunit 2B; minus strand). Cytogenetic location: 12p13.1.
Variant type: single nucleotide variant.
Coding change: c.2477G>A on transcript NM_000834.5 (MANE Select); coding-DNA position 2477, G replaced by A.
Protein change: p.Gly826Glu; replaces glycine 826 with glutamic acid.
Molecular consequence: missense variant.
Genome position (GRCh38, 1-based): chr12:13,567,146, C>T on the plus strand (G>A on the coding strand, the complement: GRIN2B is on the minus strand). VCF-style: chr12-13567146-C-T. GRCh37 (hg19) VCF-style: chr12-13720080-C-T.
Other names: p.Gly826Glu; c.2477G>A (NM_000834.4); short protein forms G826E.
Identifiers: ClinVar variation 421209 (VCV000421209.7), dbSNP rs1064794979, ClinGen allele CA16619493.